The following is an entry in ClinVar:

ClinVar aggregate classification (germline): Benign/Likely benign. Review status: criteria provided, multiple submitters, no conflicts (2 of 4 stars). 6 submissions from 6 submitters: Benign (1); Likely benign (3). 2 of the submissions do not count toward it. Last evaluated 2026-04-22.

Conditions:
Polyglandular autoimmune syndrome, type 1 (APS1). Also called: PGA I; Autoimmune polyendocrine syndrome type 1; Autoimmune polyendocrinopathy syndrome, type I; Whitaker syndrome; Autoimmune polyendocrinopathy syndrome , type I, with or without reversible metaphyseal dysplasia; HYPOADRENOCORTICISM WITH HYPOPARATHYROIDISM AND SUPERFICIAL MONILIASIS. Identifiers: Orphanet 3453, MedGen C0085859, MONDO:0009411, OMIM 240300.
AIRE-related disorder. Also called: AIRE-related condition.

Allele frequency attached by ClinVar (database versions not stated): 1000 Genomes Project 30x 0.00031; 1000 Genomes Project 0.00040; TOPMed 0.00052; ESP Exome Variant Server 0.00077; gnomAD exomes 0.00167 and 0.00312; gnomAD 0.00222 and 0.00241; ExAC 0.00280.
gnomAD v4.1: 2,790 of 1,612,330 alleles (0.17%); highest among the groups gnomAD compares: Non-Finnish European, 0.1%; 26 homozygotes.

Submissions (6):

Women's Health and Genetics/Laboratory Corporation of America, LabCorp
Classification: Likely benign. Last evaluated: 2026-04-22. Review status: criteria provided, single submitter. Criteria: LabCorp Variant Classification Summary - May 2015. Collection method: clinical testing. Allele origin: germline.
Comment: Variant summary: AIRE c.1507G>A (p.Asp503Asn) results in a conservative amino acid change in the encoded protein sequence. Algorithms developed to predict the effect of missense changes on protein structure and function all suggest that this variant is likely to be tolerated. The variant allele was found at a frequency of 0.0031 in 250508 control chromosomes in the gnomAD database, including 13 homozygotes. The observed variant frequency exceeds the estimated maximal expected allele frequency for disease-causing variants in AIRE. c.1507G>A has been observed in individual(s) with symptoms of Autoimmune Polyglandular Syndrome (Wolff_2008). These report(s) do not provide unequivocal conclusions about association of the variant with Autoimmune Polyglandular Syndrome Type 1. To our knowledge, no experimental evidence demonstrating an impact on protein function has been reported. The following publication have been ascertained in the context of this evaluation (PMID: 18200029). ClinVar contains an entry for this variant (Variation ID: 788316). Based on the evidence outlined above, the variant was classified as likely benign.

Labcorp Genetics (formerly Invitae), Labcorp
Classification: Benign for Polyglandular autoimmune syndrome, type 1. Last evaluated: 2026-02-02. Review status: criteria provided, single submitter. Criteria: Invitae Variant Classification Sherloc (09022015). Collection method: clinical testing. Allele origin: germline.

Blueprint Genetics
Classification: Likely benign. Last evaluated: 2024-11-22. Review status: criteria provided, single submitter. Criteria: ACMG Guidelines, 2015. Collection method: clinical testing. Allele origin: germline.

CeGaT Center for Human Genetics Tuebingen
Classification: Likely benign. Last evaluated: 2024-03-01. Review status: criteria provided, single submitter. Criteria: CeGaT Center For Human Genetics Tuebingen Variant Classification Criteria Version 2. Collection method: clinical testing. Allele origin: germline. Affected: yes. Observed: 2 variant alleles.
Comment: AIRE: BS2

Natera, Inc.
Classification: Benign for Polyglandular autoimmune syndrome type 1. Last evaluated: 2020-09-16. Review status: no assertion criteria provided. Collection method: clinical testing. Allele origin: germline. Not counted in ClinVar's aggregate classification.

PreventionGenetics, part of Exact Sciences
Classification: Benign for AIRE-related condition. Last evaluated: 2019-04-18. Review status: no assertion criteria provided. Collection method: clinical testing. Allele origin: germline. Not counted in ClinVar's aggregate classification.
Comment: This variant is classified as benign based on ACMG/AMP sequence variant interpretation guidelines (Richards et al. 2015 PMID: 25741868, with internal and published modifications).

Literature cited by the submitters: PubMed 18200029 (cited by Women's Health and Genetics/Laboratory Corporation of America, LabCorp).

NM_000383.4(AIRE):c.1507G>A (p.Asp503Asn)

Genes: AIRE (autoimmune regulator; plus strand), LOC130066813 (ATAC-STARR-seq lymphoblastoid silent region 13378; plus strand). Cytogenetic location: 21q22.3.
Variant type: single nucleotide variant.
Coding change: c.1507G>A on transcript NM_000383.4 (MANE Select); coding-DNA position 1507, G replaced by A.
Protein change: p.Asp503Asn; replaces aspartic acid 503 with asparagine.
Molecular consequence: missense variant.
Genome position (GRCh38, 1-based): chr21:44,296,386, G>A. VCF-style: chr21-44296386-G-A. GRCh37 (hg19) VCF-style: chr21-45716269-G-A.
Other names: short protein forms D503N.
Identifiers: ClinVar variation 788316 (VCV000788316.42), dbSNP rs145370269, ClinGen allele CA10052166.
Genomic context (GRCh38, chr21:44,296,386, plus strand): 5'-GTACCCCCACCAGGGCTGTGGGAGTTGGGCTGACCTCTTCTCTTTACTGGGTTCCAGGAT[G>A]ACACTGCCAGTCACGAGCCCGCTCTGCACAGGGATGACCTGGAGTCCCTTCTGAGCGAGG-3'
Protein context (NP_000374.1, residues 493-513): ARLAPGPAKD[Asp503Asn]TASHEPALHR